The following is an entry in ClinVar:

NM_002691.4(POLD1):c.952G>A (p.Glu318Lys)

Gene: POLD1 (DNA polymerase delta 1, catalytic subunit; plus strand). Cytogenetic location: 19q13.33.
Variant type: single nucleotide variant.
Coding change: c.952G>A on transcript NM_002691.4 (MANE Select); coding-DNA position 952, G replaced by A.
Protein change: p.Glu318Lys; replaces glutamic acid 318 with lysine.
Molecular consequence: missense variant. On other transcripts: non-coding transcript variant (1).
Genome position (GRCh38, 1-based): chr19:50,402,723, G>A. VCF-style: chr19-50402723-G-A. GRCh37 (hg19) VCF-style: chr19-50905980-G-A.
Other names: c.952G>A, p.Glu318Lys (NM_001256849.1, NM_001308632.1); short protein forms E318K.
Identifiers: ClinVar variation 469396 (VCV000469396.14), dbSNP rs775232133, ClinGen allele CA9595963.

ClinVar aggregate classification (germline): Uncertain significance. Review status: criteria provided, multiple submitters, no conflicts (2 of 4 stars). 3 submissions from 3 submitters: Uncertain significance (3). Last evaluated 2025-12-17.

Conditions:
POLD1-related polyposis and colorectal cancer syndrome (CRCS10). Also called: Colorectal cancer 10; COLORECTAL CANCER, SUSCEPTIBILITY TO, ON CHROMOSOME 19q; Colorectal cancer, susceptibility to, 10. Identifiers: Orphanet 220460, MedGen C2675481, MONDO:0012953, OMIM 612591.
Hereditary cancer-predisposing syndrome. Also called: Neoplastic Syndromes, Hereditary; Hereditary neoplastic syndrome; Tumor predisposition; Hereditary Cancer Syndrome. Identifiers: Orphanet 140162, MedGen C0027672, MeSH D009386, MONDO:0015356.

Allele frequency attached by ClinVar (database versions not stated): gnomAD exomes below 0.00001; ExAC 0.00001.

Submissions (3):

Labcorp Genetics (formerly Invitae), Labcorp
Classification: Uncertain significance for POLD1-related polyposis and colorectal cancer syndrome. Last evaluated: 2025-12-17. Review status: criteria provided, single submitter. Criteria: Invitae Variant Classification Sherloc (09022015). Collection method: clinical testing. Allele origin: germline.
Comment: This sequence change replaces glutamic acid, which is acidic and polar, with lysine, which is basic and polar, at codon 318 of the POLD1 protein (p.Glu318Lys). This variant is present in population databases (rs775232133, gnomAD 0.0009%). This missense change has been observed in individual(s) with brain tumor and/or endometrial cancer (PMID: 32634176). ClinVar contains an entry for this variant (Variation ID: 469396). Invitae Evidence Modeling of protein sequence and biophysical properties (such as structural, functional, and spatial information, amino acid conservation, physicochemical variation, residue mobility, and thermodynamic stability) indicates that this missense variant is expected to disrupt POLD1 protein function with a positive predictive value of 80%. In summary, the available evidence is currently insufficient to determine the role of this variant in disease. Therefore, it has been classified as a Variant of Uncertain Significance.

Ambry Genetics
Classification: Uncertain significance for Hereditary cancer-predisposing syndrome. Last evaluated: 2025-05-27. Review status: criteria provided, single submitter. Criteria: Ambry Variant Classification Scheme 2023. Collection method: clinical testing. Allele origin: germline.
Comment: The p.E318K variant (also known as c.952G>A), located in coding exon 7 of the POLD1 gene, results from a G to A substitution at nucleotide position 952. The glutamic acid at codon 318 is replaced by lysine, an amino acid with similar properties. This alteration was identified in an individual diagnosed with uterine cancer (Singh AK et al. PLoS One, 2020 Jul;15:e0235613). This amino acid position is highly conserved in available vertebrate species. In addition, this alteration is predicted to be deleterious by in silico analysis. Based on the available evidence, the clinical significance of this variant remains unclear.

Molecular Pathology, Peter Maccallum Cancer Centre
Classification: Uncertain significance for POLD1-related polyposis and colorectal cancer syndrome. Last evaluated: 2024-01-05. Review status: criteria provided, single submitter. Criteria: ACMG Guidelines, 2015. Collection method: clinical testing. Allele origin: germline. Inheritance: Autosomal dominant inheritance.

Literature cited by the submitters: PubMed 32634176 (cited by Labcorp Genetics (formerly Invitae), Labcorp and Ambry Genetics).